The following is an entry in ClinVar:

ClinVar aggregate classification (germline): Uncertain significance (1 of 4 stars; one submission).

Conditions:
Hereditary breast ovarian cancer syndrome. Also called: Hereditary breast and ovarian cancer syndrome (HBOC); Hereditary breast and ovarian cancer; Breast and ovarian cancer; Hereditary breast and/or ovarian cancer syndrome; BRCA1- and BRCA2-Associated Hereditary Breast and Ovarian Cancer; Hereditary breast and ovarian cancer syndrome. Identifiers: Orphanet 145, MedGen C0677776, MeSH D061325, MONDO:0003582. Disease mechanism: loss of function.

Submission:

Labcorp Genetics (formerly Invitae), Labcorp
Classification: Uncertain significance for Hereditary breast ovarian cancer syndrome. Last evaluated: 2025-12-30. Review status: criteria provided, single submitter. Criteria: Invitae Variant Classification Sherloc (09022015). Collection method: clinical testing. Allele origin: germline.
Comment: This sequence change replaces glutamic acid, which is acidic and polar, with aspartic acid, which is acidic and polar, at codon 575 of the BRCA1 protein (p.Glu575Asp). This variant is not present in population databases (gnomAD no frequency). This variant has not been reported in the literature in individuals affected with BRCA1-related conditions. Invitae Evidence Modeling of protein sequence and biophysical properties (such as structural, functional, and spatial information, amino acid conservation, physicochemical variation, residue mobility, and thermodynamic stability) has been performed for this missense variant. However, the output from this modeling did not meet the statistical confidence thresholds required to predict the impact of this variant on BRCA1 protein function. In summary, the available evidence is currently insufficient to determine the role of this variant in disease. Therefore, it has been classified as a Variant of Uncertain Significance.

NM_007294.4(BRCA1):c.1725A>C (p.Glu575Asp)

Gene: BRCA1 (BRCA1 DNA repair associated; minus strand). Cytogenetic location: 17q21.31.
Variant type: single nucleotide variant.
Coding change: c.1725A>C on transcript NM_007294.4 (MANE Select); coding-DNA position 1725, A replaced by C.
Protein change: p.Glu575Asp; replaces glutamic acid 575 with aspartic acid.
Molecular consequence: missense variant. On other transcripts: intron variant (137).
Genome position (GRCh38, 1-based): chr17:43,093,806, T>G on the plus strand (A>C on the coding strand, the complement: BRCA1 is on the minus strand). VCF-style: chr17-43093806-T-G. GRCh37 (hg19) VCF-style: chr17-41245823-T-G.
Other names: c.1581A>C, p.Glu527Asp (NM_001407845.1, NM_001407846.1, NM_001407847.1 and 20 more transcripts); c.1584A>C, p.Glu528Asp (NM_001407850.1, NM_001407851.1, NM_001407852.1 and 29 more transcripts); c.1512A>C, p.Glu504Asp (NM_001407853.1, NM_001407571.1, NM_001407894.1 and 9 more transcripts); c.1725A>C, p.Glu575Asp (NM_001407854.1, NM_001407858.1, NM_001407859.1 and 30 more transcripts); c.1722A>C, p.Glu574Asp (NM_001407860.1, NM_001407587.1, NM_001407590.1 and 22 more transcripts); c.646+938A>C (NM_001408459.1, NM_001408455.1, NM_001408466.1 and 11 more transcripts); c.583+938A>C (NM_001408475.1); c.709+938A>C (NM_001408412.1, NM_001408409.1, NM_001408414.1 and 2 more transcripts); and 40 more; short protein forms E279D, E407D, E447D, E448D, E463D, E464D, E486D, E487D.
Identifiers: ClinVar variation 4800854 (VCV004800854.1).